The following is an entry in ClinVar:

ClinVar aggregate classification (germline): Uncertain significance (1 of 4 stars; one submission).

Submission:

Labcorp Genetics (formerly Invitae), Labcorp
Classification: Uncertain significance. Last evaluated: 2022-09-01. Review status: criteria provided, single submitter. Criteria: Invitae Variant Classification Sherloc (09022015). Collection method: clinical testing. Allele origin: germline.
Comment: This sequence change creates a premature translational stop signal (p.Ile268Serfs*6) in the MFSD2A gene. It is expected to result in an absent or disrupted protein product. However, the current clinical and genetic evidence is not sufficient to establish whether loss-of-function variants in MFSD2A cause disease. This variant is not present in population databases (gnomAD no frequency). This variant has not been reported in the literature in individuals affected with MFSD2A-related conditions. ClinVar contains an entry for this variant (Variation ID: 1376732). In summary, the available evidence is currently insufficient to determine the role of this variant in disease. Therefore, it has been classified as a Variant of Uncertain Significance.

NM_032793.5(MFSD2A):c.763del (p.Ile255fs)

Gene: MFSD2A (MFSD2 lysolipid transporter A, lysophospholipid; plus strand). Cytogenetic location: 1p34.2.
Variant type: Deletion.
Coding change: c.763del on transcript NM_032793.5 (MANE Select); coding-DNA position 763, one base deleted (A; older notation c.763delA).
Protein change: p.Ile255fs; shifts the reading frame from isoleucine 255.
Molecular consequence: frameshift variant. On other transcripts: non-coding transcript variant (1).
Genome position (GRCh38, 1-based): chr1:39,966,649, A deleted; the last of 2 consecutive A bases (chr1:39,966,648-39,966,649); deleting either gives the same sequence. VCF-style (leftmost placement, unchanged base first): chr1-39966647-TA-T. GRCh37 (hg19) VCF-style: chr1-40432319-TA-T.
Other names: c.802del, p.Ile268fs (NM_001136493.3); c.295del, p.Ile99fs (NM_001287808.2); c.646del, p.Ile216fs (NM_001287809.2); c.757del, p.Ile253fs (NM_001349821.2); c.763del, p.Ile255fs (NM_001349822.2); c.418del, p.Ile140fs (NM_001349823.2); short protein forms I268fs, I253fs, I255fs, I140fs, I216fs, I99fs.
Identifiers: ClinVar variation 1376732 (VCV001376732.6), dbSNP rs2124777682, ClinGen allele CA2573132328.